The following is an entry in ClinVar:

NM_000245.4(MET):c.1261A>G (p.Thr421Ala)

Gene: MET (MET proto-oncogene, receptor tyrosine kinase; plus strand). Cytogenetic location: 7q31.2.
Variant type: single nucleotide variant.
Coding change: c.1261A>G on transcript NM_000245.4 (MANE Select); coding-DNA position 1261, A replaced by G.
Protein change: p.Thr421Ala; replaces threonine 421 with alanine.
Molecular consequence: missense variant. On other transcripts: 5 prime UTR variant (1).
Genome position (GRCh38, 1-based): chr7:116,731,728, A>G. VCF-style: chr7-116731728-A-G. GRCh37 (hg19) VCF-style: chr7-116371782-A-G.
Other names: c.1261A>G, p.Thr421Ala (NM_001127500.3, NM_001324401.3); c.-30A>G (NM_001324402.2); short protein forms T421A.
Identifiers: ClinVar variation 1320841 (VCV001320841.2), dbSNP rs2116780759, ClinGen allele CA368972798.

ClinVar aggregate classification (germline): Uncertain significance (1 of 4 stars; one submission).

Submission:

GeneDx
Classification: Uncertain significance. Last evaluated: 2019-06-07. Review status: criteria provided, single submitter. Criteria: GeneDx Variant Classification Process June 2021. Collection method: clinical testing. Allele origin: germline. Affected: yes.
Comment: Not observed in large population cohorts (Lek et al., 2016); In silico analysis, which includes protein predictors and evolutionary conservation, supports that this variant does not alter protein structure/function; Has not been previously published as pathogenic or benign to our knowledge